The following is an entry in ClinVar:

ClinVar aggregate classification (germline): Pathogenic (1 of 4 stars; one submission).

Conditions:
BAP1-related tumor predisposition syndrome (TPDS1). Also called: BAP1 tumor predisposition syndrome; COMMON Syndrome; TUMOR PREDISPOSITION SYNDROME 1; Tumor susceptibility linked to germline BAP1 mutations. Identifiers: Orphanet 289539, MedGen C3280492, MONDO:0013692, OMIM 614327.

Submission:

Labcorp Genetics (formerly Invitae), Labcorp
Classification: Pathogenic for BAP1-related tumor predisposition syndrome. Last evaluated: 2025-05-18. Review status: criteria provided, single submitter. Criteria: Invitae Variant Classification Sherloc (09022015). Collection method: clinical testing. Allele origin: germline.
Comment: This sequence change creates a premature translational stop signal (p.Tyr366*) in the BAP1 gene. It is expected to result in an absent or disrupted protein product. Loss-of-function variants in BAP1 are known to be pathogenic (PMID: 21874000, 23684012). This variant is not present in population databases (gnomAD no frequency). This variant has not been reported in the literature in individuals affected with BAP1-related conditions. ClinVar contains an entry for this variant (Variation ID: 862537). RNA analysis performed to evaluate the impact of this premature translational stop signal on mRNA splicing indicates it does not significantly alter splicing (internal data). For these reasons, this variant has been classified as Pathogenic.

Literature cited by the submitters: PubMed 21874000; PubMed 23684012.

NM_004656.4(BAP1):c.1098T>G (p.Tyr366Ter)

Gene: BAP1 (BRCA1 associated deubiquitinase 1; minus strand). Cytogenetic location: 3p21.1.
Variant type: single nucleotide variant.
Coding change: c.1098T>G on transcript NM_004656.4 (MANE Select); coding-DNA position 1098, T replaced by G.
Protein change: p.Tyr366Ter; replaces tyrosine 366 with a stop codon.
Molecular consequence: nonsense.
Genome position (GRCh38, 1-based): chr3:52,405,128, A>C on the plus strand (T>G on the coding strand, the complement: BAP1 is on the minus strand). VCF-style: chr3-52405128-A-C. GRCh37 (hg19) VCF-style: chr3-52439144-A-C.
Other names: short protein forms Y366*.
Identifiers: ClinVar variation 862537 (VCV000862537.7), dbSNP rs1391804672, ClinGen allele CA353105237.